The following is an entry in ClinVar:

ClinVar aggregate classification (germline): Uncertain significance (1 of 4 stars; one submission).

Submission:

GeneDx
Classification: Uncertain significance. Last evaluated: 2024-08-29. Review status: criteria provided, single submitter. Criteria: GeneDx Variant Classification Process June 2021. Collection method: clinical testing. Allele origin: germline. Affected: yes.
Comment: Not observed at significant frequency in large population cohorts (gnomAD); In silico analysis supports that this missense variant has a deleterious effect on protein structure/function; Has not been previously published as pathogenic or benign to our knowledge

NM_001457.4(FLNB):c.3358G>A (p.Gly1120Arg)

Gene: FLNB (filamin B; plus strand). Cytogenetic location: 3p14.3.
Variant type: single nucleotide variant.
Coding change: c.3358G>A on transcript NM_001457.4 (MANE Select); coding-DNA position 3358, G replaced by A.
Protein change: p.Gly1120Arg; replaces glycine 1120 with arginine.
Molecular consequence: missense variant.
Genome position (GRCh38, 1-based): chr3:58,123,324, G>A. VCF-style: chr3-58123324-G-A. GRCh37 (hg19) VCF-style: chr3-58109051-G-A.
Other names: c.3358G>A, p.Gly1120Arg (NM_001164317.2, NM_001164318.2, NM_001164319.2); short protein forms G1120R.
Identifiers: ClinVar variation 3766262 (VCV003766262.1).